The following is an entry in ClinVar:

NM_000075.4(CDK4):c.693G>C (p.Gly231=)

Genes: CDK4 (cyclin dependent kinase 4; minus strand), TSPAN31 (tetraspanin 31; plus strand). Cytogenetic location: 12q14.1.
Variant type: single nucleotide variant.
Coding change: c.693G>C on transcript NM_000075.4 (MANE Select); coding-DNA position 693, G replaced by C.
Protein change: p.Gly231=; no amino-acid change (glycine 231 retained).
Molecular consequence: synonymous variant. On other transcripts: 3 prime UTR variant (3).
Genome position (GRCh38, 1-based): chr12:57,749,308, C>G on the plus strand (G>C on the coding strand, the complement: CDK4 is on the minus strand). VCF-style: chr12-57749308-C-G. GRCh37 (hg19) VCF-style: chr12-58143091-C-G.
Other names: c.*2018C>G (NM_001330168.2, NM_001330169.2, NM_005981.5).
Identifiers: ClinVar variation 3378778 (VCV003378778.1).

ClinVar aggregate classification (germline): Benign (1 of 4 stars; one submission).

Conditions:
Melanoma, cutaneous malignant, susceptibility to, 3. Also called: Cutaneous malignant melanoma 3. Identifiers: Orphanet 618, MedGen C1836892, MONDO:0012183, OMIM 609048.

Submission:

Myriad Genetics, Inc.
Classification: Benign for Melanoma, cutaneous malignant, susceptibility to, 3. Last evaluated: 2024-09-26. Review status: criteria provided, single submitter. Criteria: Myriad Autosomal Dominant, Autosomal Recessive and X-Linked Classification Criteria (2023). Collection method: clinical testing. Allele origin: unknown.
Comment: This variant is considered benign. This variant is a silent/synonymous amino acid change and it is not expected to impact splicing.